The following is an entry in ClinVar:

ClinVar aggregate classification (germline): Uncertain significance. Review status: criteria provided, multiple submitters, no conflicts (2 of 4 stars). 2 submissions from 2 submitters: Uncertain significance (2). Last evaluated 2026-02-27.

Conditions:
RYR1-related disorder. Also called: RYR1-related condition; RYR1-related disorders. Identifiers: MedGen CN239331.

Allele frequency attached by ClinVar (database versions not stated): ExAC 0.00001; TOPMed 0.00001; gnomAD 0.00001.
gnomAD v4.1: 2 of 1,610,516 alleles (0.00012%); highest among the groups gnomAD compares: African/African-American, 0.0027%; no homozygotes.

Submissions (2):

GeneDx
Classification: Uncertain significance. Last evaluated: 2026-02-27. Review status: criteria provided, single submitter. Criteria: GeneDx Variant Classification Process June 2021. Collection method: clinical testing. Allele origin: germline.
Comment: Not observed at significant frequency in large population cohorts (gnomAD); In silico analysis supports that this missense variant has a deleterious effect on protein structure/function; Has not been previously published as pathogenic or benign to our knowledge

Labcorp Genetics (formerly Invitae), Labcorp
Classification: Uncertain significance for RYR1-related disorder. Last evaluated: 2022-03-24. Review status: criteria provided, single submitter. Criteria: Invitae Variant Classification Sherloc (09022015). Collection method: clinical testing. Allele origin: germline.
Comment: In summary, the available evidence is currently insufficient to determine the role of this variant in disease. Therefore, it has been classified as a Variant of Uncertain Significance. Algorithms developed to predict the effect of missense changes on protein structure and function are either unavailable or do not agree on the potential impact of this missense change (SIFT: "Deleterious"; PolyPhen-2: "Benign"; Align-GVGD: "Class C0"). This variant has not been reported in the literature in individuals affected with RYR1-related conditions. This variant is present in population databases (rs752548635, gnomAD 0.008%). This sequence change replaces tyrosine, which is neutral and polar, with serine, which is neutral and polar, at codon 2613 of the RYR1 protein (p.Tyr2613Ser).

NM_000540.3(RYR1):c.7838A>C (p.Tyr2613Ser)

Gene: RYR1 (ryanodine receptor 1; plus strand). Cytogenetic location: 19q13.2.
Variant type: single nucleotide variant.
Coding change: c.7838A>C on transcript NM_000540.3 (MANE Select); coding-DNA position 7838, A replaced by C.
Protein change: p.Tyr2613Ser; replaces tyrosine 2613 with serine.
Molecular consequence: missense variant.
Genome position (GRCh38, 1-based): chr19:38,502,882, A>C. VCF-style: chr19-38502882-A-C. GRCh37 (hg19) VCF-style: chr19-38993522-A-C.
Other names: c.7838A>C, p.Tyr2613Ser (NM_001042723.2); short protein forms Y2613S.
Identifiers: ClinVar variation 2169689 (VCV002169689.5), dbSNP rs752548635, ClinGen allele CA070800.
Genomic context (GRCh38, chr19:38,502,882, plus strand): 5'-CAGGGGCAGCAGAGCGGGCCTGGACGGGGGATTCTACATCTTGTGCATTGTCCCGCAGGT[A>C]CATCCGCCCGTCGATGCTGCAGCACCTGTTGCGCCGCCTGGTGTTCGACGTGCCCATCCT-3'
Protein context (NP_000531.2, residues 2603-2623): IEDCLMSLCR[Tyr2613Ser]IRPSMLQHLL